The following is an entry in ClinVar:

NM_001114753.3(ENG):c.910C>T (p.Arg304Trp)

Gene: ENG (endoglin; minus strand). Cytogenetic location: 9q34.11.
Variant type: single nucleotide variant.
Coding change: c.910C>T on transcript NM_001114753.3 (MANE Select); coding-DNA position 910, C replaced by T.
Protein change: p.Arg304Trp; replaces arginine 304 with tryptophan.
Molecular consequence: missense variant.
Genome position (GRCh38, 1-based): chr9:127,824,881, G>A on the plus strand (C>T on the coding strand, the complement: ENG is on the minus strand). VCF-style: chr9-127824881-G-A. GRCh37 (hg19) VCF-style: chr9-130587160-G-A.
Other names: c.910C>T (NM_001114753.1, NM_000118.2); c.910C>T, p.Arg304Trp (NM_000118.4, NM_001406715.1); c.364C>T, p.Arg122Trp (NM_001278138.2); short protein forms R122W, R304W.
Identifiers: ClinVar variation 971087 (VCV000971087.10), dbSNP rs754842280, ClinGen allele CA200313055.

ClinVar aggregate classification (germline): Conflicting classifications of pathogenicity. Review status: criteria provided, conflicting classifications (1 of 4 stars). 3 submissions from 3 submitters: Uncertain significance (2); Likely benign (1). Last evaluated 2025-11-10.

Conditions:
Hereditary hemorrhagic telangiectasia (HHT). Also called: Osler hemorrhagic telangiectasia syndrome; ORW DISEASE; Osler Weber Rendu syndrome; OSLER-RENDU-WEBER DISEASE. Identifiers: Orphanet 774, MedGen C0039445, MONDO:0019180. Disease mechanism: loss of function.
Cardiovascular phenotype. Identifiers: MedGen CN230736.

Allele frequency attached by ClinVar (database versions not stated): TOPMed 0.00001.

Submissions (3):

Ambry Genetics
Classification: Likely benign for Cardiovascular phenotype. Last evaluated: 2025-11-10. Review status: criteria provided, single submitter. Criteria: Ambry Variant Classification Scheme 2023. Collection method: clinical testing. Allele origin: germline.

GeneDx
Classification: Uncertain significance. Last evaluated: 2023-11-08. Review status: criteria provided, single submitter. Criteria: GeneDx Variant Classification Process June 2021. Collection method: clinical testing. Allele origin: germline. Affected: yes.
Comment: Not observed at significant frequency in large population cohorts (gnomAD); In silico analysis supports that this missense variant has a deleterious effect on protein structure/function; Has not been previously published as pathogenic or benign to our knowledge

Labcorp Genetics (formerly Invitae), Labcorp
Classification: Uncertain significance for Hereditary hemorrhagic telangiectasia. Last evaluated: 2021-08-31. Review status: criteria provided, single submitter. Criteria: Invitae Variant Classification Sherloc (09022015). Collection method: clinical testing. Allele origin: germline.
Comment: This sequence change replaces arginine with tryptophan at codon 304 of the ENG protein (p.Arg304Trp). The arginine residue is moderately conserved and there is a moderate physicochemical difference between arginine and tryptophan. This variant is not present in population databases (ExAC no frequency). This variant has not been reported in the literature in individuals affected with ENG-related conditions. Algorithms developed to predict the effect of missense changes on protein structure and function are either unavailable or do not agree on the potential impact of this missense change (SIFT: "Deleterious"; PolyPhen-2: "Benign"; Align-GVGD: "Class C0"). In summary, the available evidence is currently insufficient to determine the role of this variant in disease. Therefore, it has been classified as a Variant of Uncertain Significance.